The following is an entry in ClinVar:

ClinVar aggregate classification (germline): Uncertain significance (1 of 4 stars; one submission).

Conditions:
Left ventricular noncompaction 8 (LVNC8). Identifiers: Orphanet 154, Orphanet 54260, MedGen C3809288, MONDO:0014152, OMIM 615373.

Allele frequency attached by ClinVar (database versions not stated): TOPMed below 0.00001.

Submission:

Labcorp Genetics (formerly Invitae), Labcorp
Classification: Uncertain significance for Left ventricular noncompaction 8. Last evaluated: 2022-02-24. Review status: criteria provided, single submitter. Criteria: Invitae Variant Classification Sherloc (09022015). Collection method: clinical testing. Allele origin: germline.
Comment: This sequence change replaces alanine, which is neutral and non-polar, with serine, which is neutral and polar, at codon 165 of the PRDM16 protein (p.Ala165Ser). In summary, the available evidence is currently insufficient to determine the role of this variant in disease. Therefore, it has been classified as a Variant of Uncertain Significance. Algorithms developed to predict the effect of missense changes on protein structure and function output the following: SIFT: "Tolerated"; PolyPhen-2: "Benign"; Align-GVGD: "Class C0". The serine amino acid residue is found in multiple mammalian species, which suggests that this missense change does not adversely affect protein function. This variant has not been reported in the literature in individuals affected with PRDM16-related conditions. This variant is not present in population databases (gnomAD no frequency).

NM_022114.4(PRDM16):c.493G>T (p.Ala165Ser)

Gene: PRDM16 (PR/SET domain 16; plus strand). Cytogenetic location: 1p36.32.
Variant type: single nucleotide variant.
Coding change: c.493G>T on transcript NM_022114.4 (MANE Select); coding-DNA position 493, G replaced by T.
Protein change: p.Ala165Ser; replaces alanine 165 with serine.
Molecular consequence: missense variant.
Genome position (GRCh38, 1-based): chr1:3,385,206, G>T. VCF-style: chr1-3385206-G-T. GRCh37 (hg19) VCF-style: chr1-3301770-G-T.
Other names: c.493G>T, p.Ala165Ser (NM_199454.3); short protein forms A165S.
Identifiers: ClinVar variation 1415492 (VCV001415492.8), dbSNP rs561382082, ClinGen allele CA338000512.